The following is an entry in ClinVar:

ClinVar aggregate classification (germline): Likely benign. Review status: criteria provided, multiple submitters, no conflicts (2 of 4 stars). 3 submissions from 3 submitters: Likely benign (3). Last evaluated 2023-12-18.

Conditions:
Retinoblastoma (RB1). Also called: RETINOBLASTOMA, SOMATIC. Identifiers: Orphanet 790, MedGen C0035335, MeSH D012175, MONDO:0008380, OMIM 180200, HP:0009919. Disease mechanism: loss of function. Inheritance: Both sporadic and heritable forms are tested..
Hereditary cancer-predisposing syndrome. Also called: Neoplastic Syndromes, Hereditary; Hereditary Cancer Syndrome; Hereditary neoplastic syndrome; Tumor predisposition. Identifiers: Orphanet 140162, MedGen C0027672, MeSH D009386, MONDO:0015356.

gnomAD v4.1: 2 of 1,611,044 alleles (0.00012%); highest among the groups gnomAD compares: Non-Finnish European, 0.000085%; no homozygotes.

Submissions (3):

All of Us Research Program, National Institutes of Health
Classification: Likely benign for Retinoblastoma. Last evaluated: 2023-12-18. Review status: criteria provided, single submitter. Criteria: ACMG Guidelines, 2015. Collection method: clinical testing. Allele origin: germline. Inheritance: Autosomal dominant inheritance. Observed: 1 variant allele, 1 heterozygote.
Comment: This study involves interpretation of variants in research participants for the purpose of population health screening. Participant phenotype was not available at the time of variant classification. Additional details can be found in publication PMID: 35346344, PMCID: PMC8962531

Labcorp Genetics (formerly Invitae), Labcorp
Classification: Likely benign for Retinoblastoma. Last evaluated: 2023-12-01. Review status: criteria provided, single submitter. Criteria: Invitae Variant Classification Sherloc (09022015). Collection method: clinical testing. Allele origin: germline.

Ambry Genetics
Classification: Likely benign for Hereditary cancer-predisposing syndrome. Last evaluated: 2023-05-27. Review status: criteria provided, single submitter. Criteria: Ambry Variant Classification Scheme 2023. Collection method: clinical testing. Allele origin: germline.

NM_000321.3(RB1):c.201A>G (p.Pro67=)

Gene: RB1 (RB transcriptional corepressor 1; plus strand). Cytogenetic location: 13q14.2.
Variant type: single nucleotide variant.
Coding change: c.201A>G on transcript NM_000321.3 (MANE Select); coding-DNA position 201, A replaced by G.
Protein change: p.Pro67=; no amino-acid change (proline 67 retained).
Molecular consequence: synonymous variant.
Genome position (GRCh38, 1-based): chr13:48,307,343, A>G. VCF-style: chr13-48307343-A-G. GRCh37 (hg19) VCF-style: chr13-48881479-A-G.
Other names: c.201A>G, p.Pro67= (NM_001407165.1, NM_001407166.1, NM_001407167.1).
Identifiers: ClinVar variation 2560793 (VCV002560793.6), dbSNP rs1268550381, ClinGen allele CA483711728.
Genomic context (GRCh38, chr13:48,307,343, plus strand): 5'-TGAGTTTGAAGAAACAGAAGAACCTGATTTTACTGCATTATGTCAGAAATTAAAGATACC[A>G]GATCATGTCAGAGAGAGAGCTTGGTTAACTTGGGAGAAAGTTTCATCTGTGGATGGAGTA-3'
Protein context (NP_000312.2, residues 57-77): FTALCQKLKI[Pro67=]DHVRERAWLT